The following is an entry in ClinVar:

NM_000540.3(RYR1):c.1720C>G (p.Leu574Val)

Gene: RYR1 (ryanodine receptor 1; plus strand). Cytogenetic location: 19q13.2.
Variant type: single nucleotide variant.
Coding change: c.1720C>G on transcript NM_000540.3 (MANE Select); coding-DNA position 1720, C replaced by G.
Protein change: p.Leu574Val; replaces leucine 574 with valine.
Molecular consequence: missense variant.
Genome position (GRCh38, 1-based): chr19:38,455,680, C>G. VCF-style: chr19-38455680-C-G. GRCh37 (hg19) VCF-style: chr19-38946320-C-G.
Other names: c.1720C>G, p.Leu574Val (NM_001042723.2); short protein forms L574V.
Identifiers: ClinVar variation 1303159 (VCV001303159.2), dbSNP rs1307522343, ClinGen allele CA405691277.

ClinVar aggregate classification (germline): Uncertain significance (1 of 4 stars; one submission).

Submission:

GeneDx
Classification: Uncertain significance. Last evaluated: 2020-10-28. Review status: criteria provided, single submitter. Criteria: GeneDx Variant Classification Process June 2021. Collection method: clinical testing. Allele origin: germline. Affected: yes.
Comment: Not observed in large population cohorts (Lek et al., 2016); In silico analysis supports that this missense variant has a deleterious effect on protein structure/function; Reported previously in the compound heterozygous state in a child with congenital myopathy, scoliosis, and cleft palate (Bharucha-Goebel et al., 2013); This variant is associated with the following publications: (PMID: 23553484)